The following is an entry in ClinVar:

ClinVar aggregate classification (germline): Uncertain significance (1 of 4 stars; one submission).

Conditions:
Achondrogenesis, type IA (ACG1A). Identifiers: Orphanet 932, Orphanet 93299, MedGen C0265273, MONDO:0008701, OMIM 200600.

Allele frequency attached by ClinVar (database versions not stated): gnomAD 0.00001; gnomAD exomes 0.00001 and 0.00003; ExAC 0.00004.
gnomAD v4.1: 16 of 1,613,810 alleles (0.00099%); highest among the groups gnomAD compares: South Asian, 0.018%; no homozygotes.

Submission:

Labcorp Genetics (formerly Invitae), Labcorp
Classification: Uncertain significance for Achondrogenesis, type IA. Last evaluated: 2021-08-14. Review status: criteria provided, single submitter. Criteria: Invitae Variant Classification Sherloc (09022015). Collection method: clinical testing. Allele origin: germline.
Comment: This variant has not been reported in the literature in individuals affected with TRIP11-related conditions. This variant is present in population databases (rs764978725, ExAC 0.03%). This sequence change replaces serine with proline at codon 1734 of the TRIP11 protein (p.Ser1734Pro). The serine residue is moderately conserved and there is a moderate physicochemical difference between serine and proline. Algorithms developed to predict the effect of missense changes on protein structure and function are either unavailable or do not agree on the potential impact of this missense change (SIFT: "Not Available"; PolyPhen-2: "Probably Damaging"; Align-GVGD: "Not Available"). In summary, the available evidence is currently insufficient to determine the role of this variant in disease. Therefore, it has been classified as a Variant of Uncertain Significance.

NM_004239.4(TRIP11):c.5200T>C (p.Ser1734Pro)

Gene: TRIP11 (thyroid hormone receptor interactor 11; minus strand). Cytogenetic location: 14q32.12.
Variant type: single nucleotide variant.
Coding change: c.5200T>C on transcript NM_004239.4 (MANE Select); coding-DNA position 5200, T replaced by C.
Protein change: p.Ser1734Pro; replaces serine 1734 with proline.
Molecular consequence: missense variant.
Genome position (GRCh38, 1-based): chr14:91,988,344, A>G on the plus strand (T>C on the coding strand, the complement: TRIP11 is on the minus strand). VCF-style: chr14-91988344-A-G. GRCh37 (hg19) VCF-style: chr14-92454688-A-G.
Other names: c.5197T>C, p.Ser1733Pro (NM_001321851.1); short protein forms S1733P, S1734P.
Identifiers: ClinVar variation 1481203 (VCV001481203.6), dbSNP rs764978725, ClinGen allele CA7313240.